The following is an entry in ClinVar:

NM_006767.4(LZTR1):c.2468C>G (p.Ser823Cys)

Gene: LZTR1 (leucine zipper like post translational regulator 1; plus strand). Cytogenetic location: 22q11.21.
Variant type: single nucleotide variant.
Coding change: c.2468C>G on transcript NM_006767.4 (MANE Select); coding-DNA position 2468, C replaced by G.
Protein change: p.Ser823Cys; replaces serine 823 with cysteine.
Molecular consequence: missense variant.
Genome position (GRCh38, 1-based): chr22:20,997,293, C>G. VCF-style: chr22-20997293-C-G. GRCh37 (hg19) VCF-style: chr22-21351582-C-G.
Other names: c.2468C>G (NM_006767.3); short protein forms S823C.
Identifiers: ClinVar variation 3645102 (VCV003645102.3).

ClinVar aggregate classification (germline): Uncertain significance. Review status: criteria provided, multiple submitters, no conflicts (2 of 4 stars). 2 submissions from 2 submitters: Uncertain significance (2). Last evaluated 2025-06-06.

Conditions:
Hereditary cancer-predisposing syndrome. Also called: Neoplastic Syndromes, Hereditary; Tumor predisposition; Hereditary neoplastic syndrome; Hereditary Cancer Syndrome. Identifiers: Orphanet 140162, MedGen C0027672, MeSH D009386, MONDO:0015356.
Cardiovascular phenotype. Identifiers: MedGen CN230736.

Submissions (2):

Ambry Genetics
Classification: Uncertain significance for Cardiovascular phenotype; Hereditary cancer-predisposing syndrome. Last evaluated: 2025-06-06. Review status: criteria provided, single submitter. Criteria: Ambry Variant Classification Scheme 2023. Collection method: clinical testing. Allele origin: germline.
Comment: The p.S823C variant (also known as c.2468C>G), located in coding exon 21 of the LZTR1 gene, results from a C to G substitution at nucleotide position 2468. The serine at codon 823 is replaced by cysteine, an amino acid with dissimilar properties. This amino acid position is conserved. In addition, the in silico prediction for this alteration is inconclusive. Based on the available evidence, the clinical significance of this variant remains unclear.

Labcorp Genetics (formerly Invitae), Labcorp
Classification: Uncertain significance. Last evaluated: 2024-03-08. Review status: criteria provided, single submitter. Criteria: Invitae Variant Classification Sherloc (09022015). Collection method: clinical testing. Allele origin: germline.
Comment: This sequence change replaces serine, which is neutral and polar, with cysteine, which is neutral and slightly polar, at codon 823 of the LZTR1 protein (p.Ser823Cys). This variant is not present in population databases (gnomAD no frequency). This variant has not been reported in the literature in individuals affected with LZTR1-related conditions. Advanced modeling of protein sequence and biophysical properties (such as structural, functional, and spatial information, amino acid conservation, physicochemical variation, residue mobility, and thermodynamic stability) performed at Invitae indicates that this missense variant is not expected to disrupt LZTR1 protein function with a negative predictive value of 80%. In summary, the available evidence is currently insufficient to determine the role of this variant in disease. Therefore, it has been classified as a Variant of Uncertain Significance.